The following is an entry in ClinVar:

NM_001281740.3(FHOD3):c.1064G>A (p.Arg355Gln)

Gene: FHOD3 (formin homology 2 domain containing 3; plus strand). Cytogenetic location: 18q12.2.
Variant type: single nucleotide variant.
Coding change: c.1064G>A on transcript NM_001281740.3 (MANE Select); coding-DNA position 1064, G replaced by A.
Protein change: p.Arg355Gln; replaces arginine 355 with glutamine.
Molecular consequence: missense variant.
Genome position (GRCh38, 1-based): chr18:36,625,617, G>A. VCF-style: chr18-36625617-G-A. GRCh37 (hg19) VCF-style: chr18-34205580-G-A.
Other names: c.1064G>A (NM_001281740.2); c.1064G>A, p.Arg355Gln (NM_001281739.3, NM_025135.5); short protein forms R355Q.
Identifiers: ClinVar variation 4938730 (VCV004938730.2).

ClinVar aggregate classification (germline): Likely benign. Review status: criteria provided, multiple submitters, no conflicts (2 of 4 stars). 2 submissions from 2 submitters: Likely benign (2). Last evaluated 2025-12-23.

Conditions:
FHOD3-related disorder. Also called: FHOD3-related condition.

gnomAD v4.1: 217 of 1,592,040 alleles (0.014%); highest among the groups gnomAD compares: South Asian, 0.22%; 4 homozygotes.

Submissions (2):

PreventionGenetics, part of Exact Sciences
Classification: Likely benign for FHOD3-related condition. Last evaluated: 2025-12-23. Review status: criteria provided, single submitter. Criteria: ACMG Guidelines, 2015. Collection method: clinical testing. Allele origin: germline.
Comment: This variant is classified as likely benign based on ACMG/AMP sequence variant interpretation guidelines (Richards et al. 2015 PMID: 25741868, with internal and published modifications).

Blueprint Genetics
Classification: Likely benign. Last evaluated: 2024-10-28. Review status: criteria provided, single submitter. Criteria: ACMG Guidelines, 2015. Collection method: clinical testing. Allele origin: germline.